The following is an entry in ClinVar:

ClinVar aggregate classification (germline): Uncertain significance (1 of 4 stars; one submission).

Submission:

GeneDx
Classification: Uncertain significance. Last evaluated: 2026-01-21. Review status: criteria provided, single submitter. Criteria: GeneDx Variant Classification Process June 2021. Collection method: clinical testing. Allele origin: germline.
Comment: In-frame duplication of 1 amino acid(s) in a non-repeat region; Not observed at significant frequency in large population cohorts (gnomAD); Has not been previously published as pathogenic or benign to our knowledge

NM_054027.6(ANKH):c.858_860dup (p.His287_Met288insHis)

Gene: ANKH (ANKH inorganic pyrophosphate transport regulator; minus strand). Cytogenetic location: 5p15.2.
Variant type: Duplication.
Coding change: c.858_860dup on transcript NM_054027.6 (MANE Select); coding-DNA positions 858 to 860, 3 bases duplicated (TCA; older notation c.858_860dupTCA).
Protein change: p.His287_Met288insHis.
Molecular consequence: inframe insertion.
Genome position (GRCh38, 1-based): chr5:14,745,925-14,745,927, TGA duplicated on the plus strand (TCA on the coding strand, the reverse complement: ANKH is on the minus strand). VCF-style (leftmost placement, unchanged base first): chr5-14745924-G-GTGA. GRCh37 (hg19) VCF-style: chr5-14746033-G-GTGA.
Identifiers: ClinVar variation 4975394 (VCV004975394.1).
Genomic context (GRCh38, chr5:14,745,924, plus strand): 5'-TCTCACCTTGTCGAAAGCAGGATACACAGCACGGATTTCCGTCAACCAGCCGTATGGCAT[G>GTGA]TGACCCACAGGGTATGTGGCTGTCAAAATCGCCACTGCCTGCAACAGGAAGAGGTGGCAG-3'